The following is an entry in ClinVar:

ClinVar aggregate classification (germline): Likely pathogenic (1 of 4 stars; one submission).

Conditions:
Smith-Lemli-Opitz syndrome (SLOS). Also called: POLYDACTYLY, SEX REVERSAL, RENAL HYPOPLASIA, AND UNILOBAR LUNG; RSH SYNDROME; RUTLEDGE LETHAL MULTIPLE CONGENITAL ANOMALY SYNDROME; LETHAL ACRODYSGENITAL SYNDROME; 7-Dehydrocholesterol reductase deficiency. Identifiers: Orphanet 818, MedGen C0175694, MONDO:0010035, OMIM 270400.

Submission:

Labcorp Genetics (formerly Invitae), Labcorp
Classification: Likely pathogenic for Smith-Lemli-Opitz syndrome. Last evaluated: 2022-12-22. Review status: criteria provided, single submitter. Criteria: Invitae Variant Classification Sherloc (09022015). Collection method: clinical testing. Allele origin: germline.
Comment: In summary, the currently available evidence indicates that the variant is pathogenic, but additional data are needed to prove that conclusively. Therefore, this variant has been classified as Likely Pathogenic. This sequence change replaces proline, which is neutral and non-polar, with leucine, which is neutral and non-polar, at codon 51 of the DHCR7 protein (p.Pro51Leu). This variant disrupts the p.Pro51 amino acid residue in DHCR7. Other variant(s) that disrupt this residue have been determined to be pathogenic (PMID: 9653161, 16181459). This suggests that this residue is clinically significant, and that variants that disrupt this residue are likely to be disease-causing. Advanced modeling of protein sequence and biophysical properties (such as structural, functional, and spatial information, amino acid conservation, physicochemical variation, residue mobility, and thermodynamic stability) performed at Invitae indicates that this missense variant is expected to disrupt DHCR7 protein function. This variant has not been reported in the literature in individuals affected with DHCR7-related conditions. This variant is not present in population databases (gnomAD no frequency).

Literature cited by the submitters: PubMed 9653161; PubMed 16181459.

NM_001360.3(DHCR7):c.152C>T (p.Pro51Leu)

Gene: DHCR7 (7-dehydrocholesterol reductase; minus strand). Cytogenetic location: 11q13.4.
Variant type: single nucleotide variant.
Coding change: c.152C>T on transcript NM_001360.3 (MANE Select); coding-DNA position 152, C replaced by T.
Protein change: p.Pro51Leu; replaces proline 51 with leucine.
Molecular consequence: missense variant.
Genome position (GRCh38, 1-based): chr11:71,444,162, G>A on the plus strand (C>T on the coding strand, the complement: DHCR7 is on the minus strand). VCF-style: chr11-71444162-G-A. GRCh37 (hg19) VCF-style: chr11-71155208-G-A.
Other names: c.152C>T, p.Pro51Leu (NM_001163817.2, NM_001425107.1, NM_001425108.1 and 8 more transcripts); c.-23C>T (NM_001425117.1); short protein forms P51L.
Identifiers: ClinVar variation 2823123 (VCV002823123.3), dbSNP rs1949379416, ClinGen allele CA381696652.
Genomic context (GRCh38, chr11:71,444,162, plus strand): 5'-GGGCCAGTCAGGGCGCAGCTGTACTGGTCACAAGCCATGATGAAGTAGTAGACGATGAAG[G>A]GGGCGAACAGCAGTAGGAAGATGACGCTCGCCAGTGAAAACCAGTCCACCTCCCTGCGAG-3'
Protein context (NP_001351.2, residues 41-61): ASVIFLLLFA[Pro51Leu]FIVYYFIMAC